The following is an entry in ClinVar:

NM_002439.5(MSH3):c.3100G>A (p.Val1034Ile)

Gene: MSH3 (mutS homolog 3; plus strand). Cytogenetic location: 5q14.1.
Variant type: single nucleotide variant.
Coding change: c.3100G>A on transcript NM_002439.5 (MANE Select); coding-DNA position 3100, G replaced by A.
Protein change: p.Val1034Ile; replaces valine 1034 with isoleucine.
Molecular consequence: missense variant.
Genome position (GRCh38, 1-based): chr5:80,864,912, G>A. VCF-style: chr5-80864912-G-A. GRCh37 (hg19) VCF-style: chr5-80160731-G-A.
Other names: short protein forms V1034I.
Identifiers: ClinVar variation 3222284 (VCV003222284.1), dbSNP rs2478789316, ClinGen allele CA360346396.

ClinVar aggregate classification (germline): Uncertain significance (1 of 4 stars; one submission).

Conditions:
Hereditary cancer-predisposing syndrome. Also called: Tumor predisposition; Hereditary neoplastic syndrome; Hereditary Cancer Syndrome; Neoplastic Syndromes, Hereditary. Identifiers: Orphanet 140162, MedGen C0027672, MeSH D009386, MONDO:0015356.

Submission:

Ambry Genetics
Classification: Uncertain significance for Hereditary cancer-predisposing syndrome. Last evaluated: 2024-03-04. Review status: criteria provided, single submitter. Criteria: Ambry Variant Classification Scheme 2023. Collection method: clinical testing. Allele origin: germline.
Comment: The p.V1034I variant (also known as c.3100G>A), located in coding exon 22 of the MSH3 gene, results from a G to A substitution at nucleotide position 3100. The valine at codon 1034 is replaced by isoleucine, an amino acid with highly similar properties. This amino acid position is conserved. In addition, this alteration is predicted to be tolerated by in silico analysis. Based on the available evidence, the clinical significance of this alteration remains unclear.